The following is an entry in ClinVar:

NM_005359.6(SMAD4):c.679A>G (p.Ser227Gly)

Gene: SMAD4 (SMAD family member 4; plus strand). Cytogenetic location: 18q21.2.
Variant type: single nucleotide variant.
Coding change: c.679A>G on transcript NM_005359.6 (MANE Select); coding-DNA position 679, A replaced by G.
Protein change: p.Ser227Gly; replaces serine 227 with glycine.
Molecular consequence: missense variant.
Genome position (GRCh38, 1-based): chr18:51,058,136, A>G. VCF-style: chr18-51058136-A-G. GRCh37 (hg19) VCF-style: chr18-48584506-A-G.
Other names: short protein forms S227G.
Identifiers: ClinVar variation 631311 (VCV000631311.18), dbSNP rs1443767329, ClinGen allele CA402462619.

ClinVar aggregate classification (germline): Uncertain significance. Review status: criteria provided, multiple submitters, no conflicts (2 of 4 stars). 4 submissions from 4 submitters: Uncertain significance (4). Last evaluated 2024-02-28.

Conditions:
Juvenile polyposis syndrome (JPS). Identifiers: Orphanet 2929, MedGen C0345893, MONDO:0017380, OMIM 174900.
Hereditary cancer-predisposing syndrome. Also called: Hereditary neoplastic syndrome; Neoplastic Syndromes, Hereditary; Tumor predisposition; Hereditary Cancer Syndrome. Identifiers: Orphanet 140162, MedGen C0027672, MeSH D009386, MONDO:0015356.
Familial thoracic aortic aneurysm and aortic dissection (TAAD). Also called: Thoracic aortic aneurysms and dissections. Identifiers: Orphanet 91387, MedGen C4707243, MONDO:0019625.
Juvenile polyposis/hereditary hemorrhagic telangiectasia syndrome (JPHT). Also called: Juvenile Polyposis Syndrome / Hereditary Hemorrhagic Telangiectasia (JPS/HHT); JP/HHT SYNDROME; JUVENILE POLYPOSIS WITH HEREDITARY HEMORRHAGIC TELANGIECTASIA; POLYPOSIS, GENERALIZED JUVENILE, WITH PULMONARY ARTERIOVENOUS MALFORMATION; TELANGIECTASIA, HEREDITARY HEMORRHAGIC, WITH JUVENILE POLYPOSIS COLI. Identifiers: Orphanet 2929, MedGen C1832942, MONDO:0008278, OMIM 175050.

Allele frequency attached by ClinVar (database versions not stated): gnomAD 0.00001; TOPMed 0.00001.
gnomAD v4.1: 2 of 1,614,042 alleles (0.00012%); highest among the groups gnomAD compares: Non-Finnish European, 0.00017%; no homozygotes.

Submissions (4):

Ambry Genetics
Classification: Uncertain significance for Hereditary cancer-predisposing syndrome; Familial thoracic aortic aneurysm and aortic dissection. Last evaluated: 2024-02-28. Review status: criteria provided, single submitter. Criteria: Ambry Variant Classification Scheme 2023. Collection method: clinical testing. Allele origin: germline.
Comment: The p.S227G variant (also known as c.679A>G), located in coding exon 5 of the SMAD4 gene, results from an A to G substitution at nucleotide position 679. The serine at codon 227 is replaced by glycine, an amino acid with similar properties. This amino acid position is conserved. In addition, this alteration is predicted to be tolerated by in silico analysis. Since supporting evidence is limited at this time, the clinical significance of this alteration remains unclear.

Labcorp Genetics (formerly Invitae), Labcorp
Classification: Uncertain significance for Juvenile polyposis syndrome. Last evaluated: 2024-01-21. Review status: criteria provided, single submitter. Criteria: Invitae Variant Classification Sherloc (09022015). Collection method: clinical testing. Allele origin: germline.
Comment: This sequence change replaces serine, which is neutral and polar, with glycine, which is neutral and non-polar, at codon 227 of the SMAD4 protein (p.Ser227Gly). This variant is not present in population databases (gnomAD no frequency). This variant has not been reported in the literature in individuals affected with SMAD4-related conditions. ClinVar contains an entry for this variant (Variation ID: 631311). Advanced modeling of protein sequence and biophysical properties (such as structural, functional, and spatial information, amino acid conservation, physicochemical variation, residue mobility, and thermodynamic stability) performed at Invitae indicates that this missense variant is not expected to disrupt SMAD4 protein function with a negative predictive value of 95%. In summary, the available evidence is currently insufficient to determine the role of this variant in disease. Therefore, it has been classified as a Variant of Uncertain Significance.

All of Us Research Program, National Institutes of Health
Classification: Uncertain significance for Juvenile polyposis/hereditary hemorrhagic telangiectasia syndrome. Last evaluated: 2023-05-16. Review status: criteria provided, single submitter. Criteria: ACMG Guidelines, 2015. Collection method: clinical testing. Allele origin: germline. Inheritance: Autosomal dominant inheritance. Observed: 1 variant allele, 1 heterozygote.
Comment: This missense variant replaces serine with glycine at codon 227 of the SMAD4 protein. Computational prediction suggests that this variant may not impact protein structure and function (internally defined REVEL score threshold <= 0.5, PMID: 27666373). To our knowledge, functional studies have not been reported for this variant. This variant has not been reported in individuals affected with SMAD4-related disorders in the literature. This variant has not been identified in the general population by the Genome Aggregation Database (gnomAD). The available evidence is insufficient to determine the role of this variant in disease conclusively. Therefore, this variant is classified as a Variant of Uncertain Significance.

This study involves interpretation of variants in research participants for the purpose of population health screening. Participant phenotype was not available at the time of variant classification. Additional details can be found in publication PMID: 35346344, PMCID: PMC8962531

Color Diagnostics, LLC DBA Color Health
Classification: Uncertain significance for Hereditary cancer-predisposing syndrome. Last evaluated: 2023-04-26. Review status: criteria provided, single submitter. Criteria: ACMG Guidelines, 2015. Collection method: clinical testing. Allele origin: germline.
Comment: This missense variant replaces serine with glycine at codon 227 of the SMAD4 protein. Computational prediction suggests that this variant may not impact protein structure and function (internally defined REVEL score threshold <= 0.5, PMID: 27666373). To our knowledge, functional studies have not been reported for this variant. This variant has not been reported in individuals affected with SMAD4-related disorders in the literature. This variant has not been identified in the general population by the Genome Aggregation Database (gnomAD). The available evidence is insufficient to determine the role of this variant in disease conclusively. Therefore, this variant is classified as a Variant of Uncertain Significance.